The following is an entry in ClinVar:

ClinVar aggregate classification (germline): Uncertain significance. Review status: criteria provided, multiple submitters, no conflicts (2 of 4 stars). 2 submissions from 2 submitters: Uncertain significance (2). Last evaluated 2022-09-06.

Conditions:
Inborn genetic diseases. Identifiers: MedGen C0950123, MeSH D030342.

Allele frequency attached by ClinVar (database versions not stated): gnomAD 0.00001; TOPMed 0.00001.
gnomAD v4.1: 8 of 1,535,630 alleles (0.00052%); highest among the groups gnomAD compares: Admixed American, 0.019%; no homozygotes.

Submissions (2):

Labcorp Genetics (formerly Invitae), Labcorp
Classification: Uncertain significance. Last evaluated: 2022-09-06. Review status: criteria provided, single submitter. Criteria: Invitae Variant Classification Sherloc (09022015). Collection method: clinical testing. Allele origin: germline.
Comment: This sequence change replaces aspartic acid, which is acidic and polar, with histidine, which is basic and polar, at codon 201 of the DGKE protein (p.Asp201His). This variant is present in population databases (rs370201438, gnomAD 0.04%). This variant has not been reported in the literature in individuals affected with DGKE-related conditions. Algorithms developed to predict the effect of missense changes on protein structure and function (SIFT, PolyPhen-2, Align-GVGD) all suggest that this variant is likely to be tolerated. In summary, the available evidence is currently insufficient to determine the role of this variant in disease. Therefore, it has been classified as a Variant of Uncertain Significance.

Ambry Genetics
Classification: Uncertain significance for Inborn genetic diseases. Last evaluated: 2021-07-15. Review status: criteria provided, single submitter. Criteria: Ambry Variant Classification Scheme 2023. Collection method: clinical testing. Allele origin: germline.

NM_003647.3(DGKE):c.601G>C (p.Asp201His)

Gene: DGKE (diacylglycerol kinase epsilon; plus strand). Cytogenetic location: 17q22.
Variant type: single nucleotide variant.
Coding change: c.601G>C on transcript NM_003647.3 (MANE Select); coding-DNA position 601, G replaced by C.
Protein change: p.Asp201His; replaces aspartic acid 201 with histidine.
Molecular consequence: missense variant.
Genome position (GRCh38, 1-based): chr17:56,844,155, G>C. VCF-style: chr17-56844155-G-C. GRCh37 (hg19) VCF-style: chr17-54921516-G-C.
Other names: c.601G>C (NM_003647.2); short protein forms D201H.
Identifiers: ClinVar variation 2183438 (VCV002183438.2), dbSNP rs370201438, ClinGen allele CA8663536.
Genomic context (GRCh38, chr17:56,844,155, plus strand): 5'-GAATTCAAAAACCTAATCATTCCACCAAGTTATTTAACATCCATTAATCAGATGCGTAAA[G>C]ACAAAAAAACAGATTATGAAGTGGTAATTAGAGTTTATTTCTCTAATATGATTGATTTTT-3'
Protein context (NP_003638.1, residues 191-211): YLTSINQMRK[Asp201His]KKTDYEVLAS